The following is an entry in ClinVar:

NM_003036.4(SKI):c.1157T>C (p.Val386Ala)

Gene: SKI (SKI proto-oncogene; plus strand). Cytogenetic location: 1p36.32.
Variant type: single nucleotide variant.
Coding change: c.1157T>C on transcript NM_003036.4 (MANE Select); coding-DNA position 1157, T replaced by C.
Protein change: p.Val386Ala; replaces valine 386 with alanine.
Molecular consequence: missense variant.
Genome position (GRCh38, 1-based): chr1:2,303,346, T>C. VCF-style: chr1-2303346-T-C. GRCh37 (hg19) VCF-style: chr1-2234785-T-C.
Other names: short protein forms V386A.
Identifiers: ClinVar variation 3721077 (VCV003721077.2).

ClinVar aggregate classification (germline): Uncertain significance (1 of 4 stars; one submission).

Conditions:
Shprintzen-Goldberg syndrome (SGS). Also called: Marfanoid disorder with craniosynostosis type 1; Marfanoid craniosynostosis syndrome; Shprintzen-Goldberg marfanoid syndrome; SHPRINTZEN-GOLDBERG CRANIOSYNOSTOSIS SYNDROME; CRANIOSYNOSTOSIS WITH ARACHNODACTYLY AND ABDOMINAL HERNIAS. Identifiers: Orphanet 2462, MedGen C1321551, MONDO:0008426, OMIM 182212.

gnomAD v4.1: 2 of 1,613,838 alleles (0.00012%); highest among the groups gnomAD compares: Non-Finnish European, 0.00017%; no homozygotes.

Submission:

Labcorp Genetics (formerly Invitae), Labcorp
Classification: Uncertain significance for Shprintzen-Goldberg syndrome. Last evaluated: 2024-06-30. Review status: criteria provided, single submitter. Criteria: Invitae Variant Classification Sherloc (09022015). Collection method: clinical testing. Allele origin: germline.
Comment: This sequence change replaces valine, which is neutral and non-polar, with alanine, which is neutral and non-polar, at codon 386 of the SKI protein (p.Val386Ala). This variant is not present in population databases (gnomAD no frequency). This variant has not been reported in the literature in individuals affected with SKI-related conditions. Advanced modeling of protein sequence and biophysical properties (such as structural, functional, and spatial information, amino acid conservation, physicochemical variation, residue mobility, and thermodynamic stability) performed at Invitae indicates that this missense variant is not expected to disrupt SKI protein function with a negative predictive value of 95%. In summary, the available evidence is currently insufficient to determine the role of this variant in disease. Therefore, it has been classified as a Variant of Uncertain Significance.